The following is an entry in ClinVar:

NM_006031.6(PCNT):c.3715C>T (p.Arg1239Cys)

Gene: PCNT (pericentrin; plus strand). Cytogenetic location: 21q22.3.
Variant type: single nucleotide variant.
Coding change: c.3715C>T on transcript NM_006031.6 (MANE Select); coding-DNA position 3715, C replaced by T.
Protein change: p.Arg1239Cys; replaces arginine 1239 with cysteine.
Molecular consequence: missense variant.
Genome position (GRCh38, 1-based): chr21:46,389,306, C>T. VCF-style: chr21-46389306-C-T. GRCh37 (hg19) VCF-style: chr21-47809221-C-T.
Other names: NC_000021.8:g.47809221C>T; c.3361C>T, p.Arg1121Cys (NM_001315529.2); short protein forms R1121C, R1239C.
Identifiers: ClinVar variation 1336334 (VCV001336334.7), dbSNP rs777189669, ClinGen allele CA10079423.

ClinVar aggregate classification (germline): Conflicting classifications of pathogenicity. Review status: criteria provided, conflicting classifications (1 of 4 stars). 3 submissions from 3 submitters: Uncertain significance (1); Likely benign (1). 1 of the submissions does not count toward it. Last evaluated 2024-12-25.

Conditions:
Inborn genetic diseases. Identifiers: MedGen C0950123, MeSH D030342.
PCNT-related disorder. Also called: PCNT-related condition.

Allele frequency attached by ClinVar (database versions not stated): gnomAD 0.00001; gnomAD exomes 0.00002; TOPMed 0.00002; ExAC 0.00005.
gnomAD v4.1: 28 of 1,613,632 alleles (0.0017%); highest among the groups gnomAD compares: East Asian, 0.029%; no homozygotes.

Submissions (4):

Ambry Genetics
Classification: Likely benign for Inborn genetic diseases. Last evaluated: 2024-12-25. Review status: criteria provided, single submitter. Criteria: Ambry Variant Classification Scheme 2023. Collection method: clinical testing. Allele origin: germline.

Genetic Services Laboratory, University of Chicago
Classification: Uncertain significance. Last evaluated: 2017-11-10. Review status: criteria provided, single submitter. Criteria: ACMG Guidelines, 2015. Collection method: clinical testing. Allele origin: germline. Affected: no.

PreventionGenetics, part of Exact Sciences
Classification: Uncertain significance for PCNT-related condition. Last evaluated: 2024-08-26. Review status: no assertion criteria provided. Collection method: clinical testing. Allele origin: germline. Not counted in ClinVar's aggregate classification.
Comment: The PCNT c.3715C>T variant is predicted to result in the amino acid substitution p.Arg1239Cys. To our knowledge, this variant has not been reported in the literature. This variant is reported in 0.016% of alleles in individuals of East Asian descent in gnomAD. An alternative variant at the same codon p.Arg1239His was observed in compound heterozygous state in an individual with short stature (Kamil et al. 2021. PubMed ID: 34217350). At this time, the clinical significance of p.Arg1239Cys variant is uncertain due to the absence of conclusive functional and genetic evidence.

Dr. Peter K. Rogan Lab, Western University
No classification provided (evidence only). Condition: Sarcoma. Review status: no classification provided. Collection method: in vitro. Allele origin: not applicable. Functional consequence: skipped exon. Not counted in ClinVar's aggregate classification.